The following is an entry in ClinVar:

ClinVar aggregate classification (germline): Pathogenic. Review status: criteria provided, multiple submitters, no conflicts (2 of 4 stars). 6 submissions from 6 submitters: Pathogenic (5). 1 of the submissions does not count toward it. Last evaluated 2026-05-05.

Conditions:
CHD7-related disorder. Also called: CHD7-related condition.
CHARGE syndrome (CHARGE). Also called: Hittner Hirsch Kreh syndrome; Coloboma, heart anomaly, choanal atresia, retardation, genital and ear anomalies; CHARGE association; Hall-Hittner syndrome; CHARGE ASSOCIATION--COLOBOMA, HEART ANOMALY, CHOANAL ATRESIA, RETARDATION, GENITAL AND EAR ANOMALIES. Identifiers: Orphanet 138, MedGen C0265354, MONDO:0008965.
Inborn genetic diseases. Identifiers: MedGen C0950123, MeSH D030342.

Submissions (6):

Ambry Genetics
Classification: Pathogenic for Inborn genetic diseases. Last evaluated: 2026-05-05. Review status: criteria provided, single submitter. Criteria: Ambry Variant Classification Scheme 2023. Collection method: clinical testing. Allele origin: germline.
Comment: The c.3655C>T (p.R1219*) alteration, located in exon 15 (coding exon 14) of the CHD7 gene, consists of a C to T substitution at nucleotide position 3655. This changes the amino acid from an arginine (R) to a stop codon at amino acid position 1219. This variant is expected to result in loss of function by premature protein truncation or nonsense-mediated mRNA decay. This variant was not reported in population-based cohorts in the Genome Aggregation Database (gnomAD). This variant was reported in individual(s) with features consistent with CHARGE syndrome; in at least one individual, it was determined to be de novo (Jongmans, 2006; Legendre, 2017; Cho, 2022; Peterlin, 2024; Sheng, 2025). Based on the available evidence, this alteration is classified as pathogenic.

Blueprint Genetics
Classification: Pathogenic for CHD7-related disorders. Last evaluated: 2024-09-05. Review status: criteria provided, single submitter. Criteria: ACMG Guidelines, 2015. Collection method: clinical testing. Allele origin: germline. Affected: yes. Observed: 2 variant alleles.

CeGaT Center for Human Genetics Tuebingen
Classification: Pathogenic. Last evaluated: 2023-10-01. Review status: criteria provided, single submitter. Criteria: CeGaT Center For Human Genetics Tuebingen Variant Classification Criteria Version 2. Collection method: clinical testing. Allele origin: germline. Affected: yes. Observed: 1 variant allele.
Comment: CHD7: PVS1, PM2, PS2:Moderate, PS4:Moderate

GeneDx
Classification: Pathogenic. Last evaluated: 2023-01-09. Review status: criteria provided, single submitter. Criteria: GeneDx Variant Classification Process June 2021. Collection method: clinical testing. Allele origin: germline. Affected: yes.
Comment: Nonsense variant predicted to result in protein truncation or nonsense mediated decay in a gene for which loss-of-function is a known mechanism of disease; Not observed in large population cohorts (gnomAD); This variant is associated with the following publications: (PMID: 28475860, 25525159, 22033296, 21158681, 20884005, 17684005, 16155193, 33775534, 33662639)

Labcorp Genetics (formerly Invitae), Labcorp
Classification: Pathogenic for CHARGE syndrome. Last evaluated: 2022-03-27. Review status: criteria provided, single submitter. Criteria: Invitae Variant Classification Sherloc (09022015). Collection method: clinical testing. Allele origin: germline.
Comment: For these reasons, this variant has been classified as Pathogenic. ClinVar contains an entry for this variant (Variation ID: 279759). This premature translational stop signal has been observed in individual(s) with CHARGE syndrome or individuals referred for CHD7 testing (PMID: 16155193, 20884005, 21158681, 28475860). This variant is not present in population databases (gnomAD no frequency). This sequence change creates a premature translational stop signal (p.Arg1219*) in the CHD7 gene. It is expected to result in an absent or disrupted protein product. Loss-of-function variants in CHD7 are known to be pathogenic (PMID: 22461308, 25077900).

Clinical Laboratory Sciences Program (CLSP), King Saud bin Abdulaziz University for Health Sciences (KSAU-HS)
Classification: Pathogenic for CHD7-related CHARGE syndrome. Last evaluated: 2023-04-01. Review status: no assertion criteria provided. Collection method: clinical testing. Allele origin: germline. Affected: yes. Not counted in ClinVar's aggregate classification.

Literature cited by the submitters: PubMed 16155193 (cited by Ambry Genetics and Labcorp Genetics (formerly Invitae), Labcorp); PubMed 20884005 (cited by Ambry Genetics and Labcorp Genetics (formerly Invitae), Labcorp); PubMed 29178447 (cited by Ambry Genetics); PubMed 33775524 (cited by Ambry Genetics); PubMed 33775534 (cited by Ambry Genetics); PubMed 39337901 (cited by Ambry Genetics); PubMed 41225491 (cited by Ambry Genetics); PubMed 21158681 (cited by Labcorp Genetics (formerly Invitae), Labcorp); PubMed 28475860 (cited by Labcorp Genetics (formerly Invitae), Labcorp); PubMed 22461308 (cited by Labcorp Genetics (formerly Invitae), Labcorp); PubMed 25077900 (cited by Labcorp Genetics (formerly Invitae), Labcorp).

NM_017780.4(CHD7):c.3655C>T (p.Arg1219Ter)

Gene: CHD7 (chromodomain helicase DNA binding protein 7; plus strand). Cytogenetic location: 8q12.2.
Variant type: single nucleotide variant.
Coding change: c.3655C>T on transcript NM_017780.4 (MANE Select); coding-DNA position 3655, C replaced by T.
Protein change: p.Arg1219Ter; replaces arginine 1219 with a stop codon.
Molecular consequence: nonsense. On other transcripts: intron variant (1).
Genome position (GRCh38, 1-based): chr8:60,830,454, C>T. VCF-style: chr8-60830454-C-T. GRCh37 (hg19) VCF-style: chr8-61743013-C-T.
Other names: c.3655C>T (LRG_176t1); c.1717-31775C>T (NM_001316690.1); short protein forms R1219*.
Identifiers: ClinVar variation 279759 (VCV000279759.54), dbSNP rs372174845, ClinGen allele CA10603103.
Genomic context (GRCh38, chr8:60,830,454, plus strand): 5'-GCCCCCAAAGAAGAAACTATTATTGAAGTTGAGCTAACAAACATTCAGAAGAAATATTAC[C>T]GAGCCATCCTTGAGAAGAATTTCACATTTCTTTCCAAAGGCGGTGGTCAAGCTAACGTAC-3'